The following is an entry in ClinVar:

GRCh38/hg38 Xp11.4(chrX:41786713-41853325)x0

Gene: CASK (calcium/calmodulin dependent serine protein kinase; minus strand). Cytogenetic location: Xp11.4.
Variant type: copy number loss.
Change: copy number 0 of chrX:41,786,713-41,853,325 (66.6 kb, GRCh38 coordinates, 1-based), cytogenetic band Xp11.4.
Identifiers: ClinVar variation 2579263 (VCV002579263.2).

ClinVar aggregate classification (germline): Uncertain significance (1 of 4 stars; one submission).

Conditions:
Syndromic X-linked intellectual disability Najm type (MICPCH). Also called: Intellectual Disability and Microcephaly with Pontine and Cerebellar Hypoplasia; Mental retardation and microcephaly with pontine and cerebellar hypoplasia; MENTAL RETARDATION, X-LINKED, SYNDROMIC, NAJM TYPE; Intellectual Disability and Microcephaly with Pontine and Cerebellar Hypoplasia (MICPCH); MICPCH SYNDROME; Intellectual developmental disorder and microcephaly with pontine and cerebellar hypoplasia. Identifiers: Orphanet 163937, MedGen C2677903, MONDO:0010417, OMIM 300749.

Submission:

Broad Center for Mendelian Genomics, Broad Institute of MIT and Harvard
Classification: Uncertain significance for Syndromic X-linked intellectual disability Najm type. Last evaluated: 2024-02-21. Review status: criteria provided, single submitter. Criteria: ACMG/ClinGen CNV Guidelines, 2019. Collection method: research. Allele origin: de novo. Inheritance: X-linked inheritance. Affected: yes.
Comment: The patient phenotype is nonspecific, but is consistent with cases described in the literature and/or published databases with overlapping variants. This intragenic deletion of 2 exons is not predicted to alter the protein reading-frame and it is unclear if this deletion will impact the protein. Heterozygous loss of function of CASK is an established disease mechanism in X-linked syndromic intellectual disability. In summary, while there is some suspicion for a pathogenic role, the clinical significance of this variant is uncertain. The ACMG/ClinGen evidence codes and points used in this curation are as follows: 1: 0 points, 2: 0. 0.30 points, 3: 0 points, 4-5: 0.15 points; Total: 0.45 points; Riggs 2020 (PMID: 31690835).